The following is an entry in ClinVar:

ClinVar aggregate classification (germline): Likely benign. Review status: criteria provided, multiple submitters, no conflicts (2 of 4 stars). 4 submissions from 4 submitters: Likely benign (3). 1 of the submissions does not count toward it. Last evaluated 2026-08-01.

Conditions:
SLC1A2-related disorder. Also called: SLC1A2-related condition.

Allele frequency attached by ClinVar (database versions not stated): ExAC 0.00002; gnomAD exomes 0.00002 and 0.00004; gnomAD 0.00006 and 0.00008; TOPMed 0.00009; ESP Exome Variant Server 0.00015; 1000 Genomes Project 0.00040; 1000 Genomes Project 30x 0.00062.

Submissions (4):

CeGaT Center for Human Genetics Tuebingen
Classification: Likely benign. Last evaluated: 2026-08-01. Review status: criteria provided, single submitter. Criteria: CeGaT Center For Human Genetics Tuebingen Variant Classification Criteria Version 2. Collection method: clinical testing. Allele origin: germline. Affected: yes. Observed: 2 variant alleles.
Comment: SLC1A2: BP4, BP7

Labcorp Genetics (formerly Invitae), Labcorp
Classification: Likely benign. Last evaluated: 2025-11-23. Review status: criteria provided, single submitter. Criteria: Invitae Variant Classification Sherloc (09022015). Collection method: clinical testing. Allele origin: germline.

Breakthrough Genomics
Classification: Likely benign. Review status: criteria provided, single submitter. Criteria: ACMG Guidelines, 2015. Collection method: not provided. Allele origin: germline. Inheritance: Autosomal dominant inheritance. Affected: yes.

PreventionGenetics, part of Exact Sciences
Classification: Likely benign for SLC1A2-related condition. Last evaluated: 2019-08-14. Review status: no assertion criteria provided. Collection method: clinical testing. Allele origin: germline. Not counted in ClinVar's aggregate classification.
Comment: This variant is classified as likely benign based on ACMG/AMP sequence variant interpretation guidelines (Richards et al. 2015 PMID: 25741868, with internal and published modifications).

NM_004171.4(SLC1A2):c.600G>A (p.Pro200=)

Gene: SLC1A2 (solute carrier family 1 member 2; minus strand). Cytogenetic location: 11p13.
Variant type: single nucleotide variant.
Coding change: c.600G>A on transcript NM_004171.4 (MANE Select); coding-DNA position 600, G replaced by A.
Protein change: p.Pro200=; no amino-acid change (proline 200 retained).
Molecular consequence: synonymous variant.
Genome position (GRCh38, 1-based): chr11:35,306,204, C>T on the plus strand (G>A on the coding strand, the complement: SLC1A2 is on the minus strand). VCF-style: chr11-35306204-C-T. GRCh37 (hg19) VCF-style: chr11-35327751-C-T.
Other names: c.573G>A, p.Pro191= (NM_001195728.3, NM_001252652.2).
Identifiers: ClinVar variation 707671 (VCV000707671.21), dbSNP rs148741073, ClinGen allele CA5947271.